The following is an entry in ClinVar:

ClinVar aggregate classification (germline): Uncertain significance (1 of 4 stars; one submission).

Allele frequency attached by ClinVar (database versions not stated): gnomAD exomes below 0.00001.

Submission:

GeneDx
Classification: Uncertain significance. Last evaluated: 2024-03-14. Review status: criteria provided, single submitter. Criteria: GeneDx Variant Classification Process June 2021. Collection method: clinical testing. Allele origin: germline. Affected: yes.
Comment: Not observed at significant frequency in large population cohorts (gnomAD); In silico analysis supports that this missense variant does not alter protein structure/function; Has not been previously published as pathogenic or benign to our knowledge

NM_001283009.2(RTEL1):c.2647C>T (p.His883Tyr)

Genes: RTEL1 (regulator of telomere elongation helicase 1; plus strand), RTEL1-TNFRSF6B (RTEL1-TNFRSF6B readthrough (NMD candidate); plus strand). Cytogenetic location: 20q13.33.
Variant type: single nucleotide variant.
Coding change: c.2647C>T on transcript NM_001283009.2 (MANE Select); coding-DNA position 2647, C replaced by T.
Protein change: p.His883Tyr; replaces histidine 883 with tyrosine.
Molecular consequence: missense variant. On other transcripts: non-coding transcript variant (1).
Genome position (GRCh38, 1-based): chr20:63,691,832, C>T. VCF-style: chr20-63691832-C-T. GRCh37 (hg19) VCF-style: chr20-62323185-C-T.
Other names: c.1978C>T, p.His660Tyr (NM_001283010.1); c.2647C>T, p.His883Tyr (NM_016434.4); c.2719C>T, p.His907Tyr (NM_032957.5); short protein forms H660Y, H883Y, H907Y.
Identifiers: ClinVar variation 2578194 (VCV002578194.2), dbSNP rs1341172439, ClinGen allele CA409682519.